The following is an entry in ClinVar:

GRCh38/hg38 5q31.1(chr5:133531234-134847678)x1

Genes: CDKL3 (cyclin dependent kinase like 3; minus strand), CDKN2AIPNL (CDKN2A interacting protein N-terminal like; minus strand), DDX46 (DEAD-box helicase 46; plus strand), FSTL4 (follistatin like 4; minus strand), JADE2 (jade family PHD finger 2; plus strand) and 97 more. Cytogenetic location: 5q31.1.
Variant type: copy number loss.
Change: copy number 1 (one copy instead of two) of chr5:133,531,234-134,847,678 (1.32 Mb, GRCh38 coordinates, 1-based), cytogenetic band 5q31.1.
Identifiers: ClinVar variation 58362 (VCV000058362.1).

ClinVar aggregate classification (germline): Pathogenic (1 of 4 stars; one submission).

Submission:

ISCA site 17
Classification: Pathogenic. Last evaluated: 2011-08-12. Review status: criteria provided, single submitter. Criteria: Kaminsky et al. (Genet Med. 2011). Collection method: clinical testing. Allele origin: unknown. Affected: yes. Observed: 1 variant allele.
Comment: Copy number variation identified through the course of routine clinical cytogenomic testing in postnatal populations. Clinical assertions have been curated as described in Kaminsky et al. 2011.